The following is an entry in ClinVar:

NM_001034853.2(RPGR):c.3389_3391del (p.Leu1130_Lys1131delinsTer)

Gene: RPGR (retinitis pigmentosa GTPase regulator; minus strand). Cytogenetic location: Xp11.4.
Variant type: Deletion.
Coding change: c.3389_3391del on transcript NM_001034853.2 (MANE Select); coding-DNA positions 3389 to 3391, 3 bases deleted (TAA; older notation c.3389_3391delTAA).
Protein change: p.Leu1130_Lys1131delinsTer.
Molecular consequence: nonsense. On other transcripts: intron variant (8).
Genome position (GRCh38, 1-based): chrX:38,285,608-38,285,610, TTA deleted on the plus strand (TAA on the coding strand, the reverse complement: RPGR is on the minus strand). VCF-style (leftmost placement, unchanged base first): chrX-38285607-TTTA-T. GRCh37 (hg19) VCF-style: chrX-38144860-TTTA-T.
Other names: c.1569+5349_1569+5351del (NM_001367249.1, NM_001367250.1); c.1902+1484_1902+1486del (NM_001367245.1); c.1386+5349_1386+5351del (NM_001367251.1); c.1719+1484_1719+1486del (NM_001367246.1); c.1572+5349_1572+5351del (NM_001367247.1); c.1905+1484_1905+1486del (NM_000328.3); c.1602+5349_1602+5351del (NM_001367248.1).
Identifiers: ClinVar variation 4856798 (VCV004856798.1).

ClinVar aggregate classification (germline): Likely pathogenic (0 of 4 stars; one submission).

Conditions:
Retinitis pigmentosa 3. Also called: CHOROIDORETINAL DEGENERATION WITH RETINAL REFLEX IN HETEROZYGOUS WOMEN. Identifiers: Orphanet 791, MedGen C1845667, MONDO:0010227, OMIM 300029.

Submission:

Department of Medical Genetics, Unidade Local de Saúde de Coimbra
Classification: Likely pathogenic for Retinitis pigmentosa 3. Review status: no assertion criteria provided. Collection method: clinical testing. Allele origin: inherited. Inheritance: X-linked inheritance. Affected: yes. Observed: 5 variant alleles, 2 heterozygotes, 3 hemizygotes.
Comment: The variant c.3389_3391del was identified in four Portuguese families affected by X‑linked retinitis pigmentosa (XLRP), and segregated with the disease. Variant was not detected in large population databases.

Literature cited by the submitters: PubMed 42521440.